The following is an entry in ClinVar:

ClinVar aggregate classification (germline): Pathogenic. Review status: reviewed by expert panel (3 of 4 stars). 2 submissions from 2 submitters: Pathogenic (1). 1 of the submissions does not count toward it. Last evaluated 2017-12-15.

Conditions:
Hereditary cancer-predisposing syndrome. Also called: Hereditary Cancer Syndrome; Neoplastic Syndromes, Hereditary; Tumor predisposition; Hereditary neoplastic syndrome. Identifiers: Orphanet 140162, MedGen C0027672, MeSH D009386, MONDO:0015356.
Breast-ovarian cancer, familial, susceptibility to, 2 (BROVCA2). Also called: BRCA2 Hereditary Breast and Ovarian Cancer. Identifiers: Orphanet 145, MedGen C2675520, MONDO:0012933, OMIM 612555. Disease mechanism: loss of function.

Submissions (2):

Evidence-based Network for the Interpretation of Germline Mutant Alleles (ENIGMA)
Classification: Pathogenic for Breast-ovarian cancer, familial, susceptibility to, 2. Last evaluated: 2017-12-15. Review status: reviewed by expert panel. Criteria: ENIGMA BRCA1/2 Classification Criteria (2017-06-29). Collection method: curation. Allele origin: germline. Study: ENIGMA.
Comment: Variant allele predicted to encode a truncated non-functional protein.

Ambry Genetics
Classification: Pathogenic for Hereditary cancer-predisposing syndrome. Last evaluated: 2024-08-29. Review status: criteria provided, single submitter. Criteria: Ambry Variant Classification Scheme 2023. Collection method: clinical testing. Allele origin: germline. Not counted in ClinVar's aggregate classification.
Comment: The c.2256delC pathogenic mutation, located in coding exon 10 of the BRCA2 gene, results from a deletion of one nucleotide at nucleotide position 2256, causing a translational frameshift with a predicted alternate stop codon (p.Q754Nfs*18). This variant is considered to be rare based on population cohorts in the Genome Aggregation Database (gnomAD). This alteration is expected to result in loss of function by premature protein truncation or nonsense-mediated mRNA decay. As such, this alteration is interpreted as a disease-causing mutation.

NM_000059.4(BRCA2):c.2256del (p.Gln754fs)

Gene: BRCA2 (BRCA2 DNA repair associated; plus strand). Cytogenetic location: 13q13.1.
Variant type: Deletion.
Coding change: c.2256del on transcript NM_000059.4 (MANE Select); coding-DNA position 2256, one base deleted (C; older notation c.2256delC).
Protein change: p.Gln754fs; shifts the reading frame from glutamine 754.
Molecular consequence: frameshift variant.
Genome position (GRCh38, 1-based): chr13:32,336,611, C deleted. VCF-style (leftmost placement, unchanged base first): chr13-32336610-AC-A. GRCh37 (hg19) VCF-style: chr13-32910747-AC-A.
Other names: c.2256delC (NM_000059.3); short protein forms Q754fs.
Identifiers: ClinVar variation 231717 (VCV000231717.6), dbSNP rs876659318, ClinGen allele CA10579531.